The following is an entry in ClinVar:

ClinVar aggregate classification (germline): Uncertain significance (1 of 4 stars; one submission).

Conditions:
Charcot-Marie-Tooth disease type 4. Also called: Charcot-Marie-Tooth disease, type IV; Charcot-Marie-Tooth, Type 4. Identifiers: Orphanet 64749, MedGen C4082197, MONDO:0018995.

Submission:

Labcorp Genetics (formerly Invitae), Labcorp
Classification: Uncertain significance for Charcot-Marie-Tooth disease type 4. Last evaluated: 2023-03-08. Review status: criteria provided, single submitter. Criteria: Invitae Variant Classification Sherloc (09022015). Collection method: clinical testing. Allele origin: germline.
Comment: This variant is not present in population databases (gnomAD no frequency). In summary, the available evidence is currently insufficient to determine the role of this variant in disease. Therefore, it has been classified as a Variant of Uncertain Significance. Algorithms developed to predict the effect of sequence changes on RNA splicing suggest that this variant may create or strengthen a splice site. Advanced modeling of protein sequence and biophysical properties (such as structural, functional, and spatial information, amino acid conservation, physicochemical variation, residue mobility, and thermodynamic stability) performed at Invitae indicates that this missense variant is expected to disrupt FGD4 protein function. ClinVar contains an entry for this variant (Variation ID: 1909880). This missense change has been observed in individual(s) with Charcot-Marie-Tooth disease (Invitae). This sequence change replaces alanine, which is neutral and non-polar, with valine, which is neutral and non-polar, at codon 584 of the FGD4 protein (p.Ala584Val).

NM_001370298.3(FGD4):c.2162C>T (p.Ala721Val)

Gene: FGD4 (FYVE, RhoGEF and PH domain containing 4; plus strand). Cytogenetic location: 12p11.21.
Variant type: single nucleotide variant.
Coding change: c.2162C>T on transcript NM_001370298.3 (MANE Select); coding-DNA position 2162, C replaced by T.
Protein change: p.Ala721Val; replaces alanine 721 with valine.
Molecular consequence: missense variant.
Genome position (GRCh38, 1-based): chr12:32,625,769, C>T. VCF-style: chr12-32625769-C-T. GRCh37 (hg19) VCF-style: chr12-32778703-C-T.
Other names: c.2006C>T, p.Ala669Val (NM_001304481.2); c.1007C>T, p.Ala336Val (NM_001304483.2); c.719C>T, p.Ala240Val (NM_001304484.2); c.1472C>T, p.Ala491Val (NM_001330373.2, NM_001330374.2, NM_001384130.1); c.1199C>T, p.Ala400Val (NM_001370297.1); c.2162C>T, p.Ala721Val (NM_001384126.1); c.1751C>T, p.Ala584Val (NM_001384127.1, NM_001384128.1, NM_001385118.1 and 1 more transcripts); short protein forms A240V, A336V, A491V, A584V, A669V, A721V, A400V.
Identifiers: ClinVar variation 1909880 (VCV001909880.3), dbSNP rs2540786679, ClinGen allele CA384368088.